The following is an entry in ClinVar:

NM_000212.3(ITGB3):c.1901G>A (p.Cys634Tyr)

Gene: ITGB3 (integrin subunit beta 3; plus strand). Cytogenetic location: 17q21.32.
Variant type: single nucleotide variant.
Coding change: c.1901G>A on transcript NM_000212.3 (MANE Select); coding-DNA position 1901, G replaced by A.
Protein change: p.Cys634Tyr; replaces cysteine 634 with tyrosine.
Molecular consequence: missense variant.
Genome position (GRCh38, 1-based): chr17:47,299,518, G>A. VCF-style: chr17-47299518-G-A. GRCh37 (hg19) VCF-style: chr17-45376884-G-A.
Other names: short protein forms C634Y.
Identifiers: ClinVar variation 2173041 (VCV002173041.4), dbSNP rs2547621104, ClinGen allele CA400032794.

ClinVar aggregate classification (germline): Uncertain significance (1 of 4 stars; one submission).

Submission:

Labcorp Genetics (formerly Invitae), Labcorp
Classification: Uncertain significance. Last evaluated: 2022-08-21. Review status: criteria provided, single submitter. Criteria: Invitae Variant Classification Sherloc (09022015). Collection method: clinical testing. Allele origin: germline.
Comment: This variant is not present in population databases (gnomAD no frequency). This sequence change replaces cysteine, which is neutral and slightly polar, with tyrosine, which is neutral and polar, at codon 634 of the ITGB3 protein (p.Cys634Tyr). In summary, the available evidence is currently insufficient to determine the role of this variant in disease. Therefore, it has been classified as a Variant of Uncertain Significance. Algorithms developed to predict the effect of missense changes on protein structure and function are either unavailable or do not agree on the potential impact of this missense change (SIFT: "Deleterious"; PolyPhen-2: "Probably Damaging"; Align-GVGD: "Class C0"). This variant has not been reported in the literature in individuals affected with ITGB3-related conditions.